The following is an entry in ClinVar:

NM_007294.4(BRCA1):c.692C>A (p.Thr231Lys)

Gene: BRCA1 (BRCA1 DNA repair associated; minus strand). Cytogenetic location: 17q21.31.
Variant type: single nucleotide variant.
Coding change: c.692C>A on transcript NM_007294.4 (MANE Select); coding-DNA position 692, C replaced by A.
Protein change: p.Thr231Lys; replaces threonine 231 with lysine.
Molecular consequence: missense variant. On other transcripts: 5 prime UTR variant (2), intron variant (13).
Genome position (GRCh38, 1-based): chr17:43,094,839, G>T on the plus strand (C>A on the coding strand, the complement: BRCA1 is on the minus strand). VCF-style: chr17-43094839-G-T. GRCh37 (hg19) VCF-style: chr17-41246856-G-T.
Other names: c.479C>A, p.Thr160Lys (NM_001407571.1, NM_001407853.1, NM_001407915.1 and 12 more transcripts); c.692C>A, p.Thr231Lys (NM_001407581.1, NM_001407859.1, NM_001407582.1 and 53 more transcripts); c.488C>A, p.Thr163Lys (NM_001407874.1, NM_001407875.1, NM_001408475.1); c.482C>A, p.Thr161Lys (NM_001407879.1, NM_001407881.1, NM_001407882.1 and 25 more transcripts); c.689C>A, p.Thr230Lys (NM_001407860.1, NM_001407861.1, NM_001407587.1 and 38 more transcripts); c.491C>A, p.Thr164Lys (NM_001407862.1, NM_001408474.1, NM_001408476.1); c.569C>A, p.Thr190Lys (NM_001407863.1, NM_001407664.1, NM_001407675.1 and 34 more transcripts); c.614C>A, p.Thr205Lys (NM_001407656.1, NM_001407657.1, NM_001407658.1 and 9 more transcripts); and 20 more; short protein forms T103K, T104K, T119K, T120K, T142K, T143K, T160K, T161K.
Identifiers: ClinVar variation 4856581 (VCV004856581.1).

ClinVar aggregate classification (germline): Likely benign (1 of 4 stars; one submission).

Conditions:
Breast-ovarian cancer, familial, susceptibility to, 1 (BROVCA1). Also called: OVARIAN CANCER, SUSCEPTIBILITY TO; BRCA1 Hereditary Breast and Ovarian Cancer. Identifiers: Orphanet 145, MedGen C2676676, MONDO:0011450, OMIM 604370. Disease mechanism: loss of function.

gnomAD v4.1: 1 of 1,612,612 alleles (0.000062%); highest among the groups gnomAD compares: Non-Finnish European, 0.000085%; no homozygotes.

Submission:

Cancer Bioinformatics and Tumour Evolution Laboratory, Monash University
Classification: Likely benign for Breast-ovarian cancer, familial, susceptibility to, 1. Last evaluated: 2026-05-01. Review status: criteria provided, single submitter. Criteria: ClinGen BRCA1 and BRCA2 Guidelines, 2024. Collection method: curation. Allele origin: germline. Inheritance: Autosomal dominant inheritance.
Comment: Missense variant outside of a functional domain with no splice impact. BRCA1 and BRCA2 VCEP guidelines recommend application of BP1_Strong (PMID: 39142283). PMID: 39281752 - A large scale study to determine the case-control LR of BRCA1 and BRCA2 variants. The data was consolidated in the ccLR browser. This variant was found in the browser with a LR of 0.393194668 which is in the benign supporting range (0.23-0.48) according to the BRCA1 and BRCA2 VCEP. Hence, BP5 is applied.

Literature cited by the submitters: PubMed 39281752.